The following is an entry in ClinVar:

NM_015443.4(KANSL1):c.1421G>A (p.Arg474His)

Gene: KANSL1 (KAT8 regulatory NSL complex subunit 1). Cytogenetic location: 17q21.31.
Variant type: single nucleotide variant.
Coding change: c.1421G>A on transcript NM_015443.4 (MANE Select); coding-DNA position 1421, G replaced by A.
Protein change: p.Arg474His; replaces arginine 474 with histidine.
Molecular consequence: missense variant.
Genome position (GRCh38, 1-based): chr17:46,094,570, C>T on the plus strand (G>A on the coding strand, the complement: KANSL1 is on the minus strand). VCF-style: chr17-46094570-C-T. GRCh37 (hg19) VCF-style: chr17-44171936-C-T.
Other names: p.R474H:CGT>CAT; c.1421G>A, p.Arg474His (NM_001193465.2, NM_001193466.2, NM_001379198.1); short protein forms R474H.
Identifiers: ClinVar variation 205788 (VCV000205788.9), dbSNP rs770719196, ClinGen allele CA315202.

ClinVar aggregate classification (germline): Uncertain significance. Review status: criteria provided, multiple submitters, no conflicts (2 of 4 stars). 2 submissions from 2 submitters: Uncertain significance (2). Last evaluated 2024-02-24.

Conditions:
Koolen-de Vries syndrome (KDVS). Identifiers: Orphanet 96169, MedGen C1864871, MONDO:0012496, OMIM 610443.

Allele frequency attached by ClinVar (database versions not stated): gnomAD 0.00001; gnomAD exomes 0.00001; ExAC 0.00002; TOPMed 0.00002.
gnomAD v4.1: 19 of 1,612,794 alleles (0.0012%); highest among the groups gnomAD compares: South Asian, 0.015%; no homozygotes.

Submissions (2):

Labcorp Genetics (formerly Invitae), Labcorp
Classification: Uncertain significance for Koolen-de Vries syndrome. Last evaluated: 2024-02-24. Review status: criteria provided, single submitter. Criteria: Invitae Variant Classification Sherloc (09022015). Collection method: clinical testing. Allele origin: germline.
Comment: Due to the possible presence of a polymorphic segmental duplication, the location of the variant could not be unambiguously resolved. Variants with ambiguous mapping are still reported relative to the KANSL1 transcript. This sequence change replaces arginine, which is basic and polar, with histidine, which is basic and polar, at codon 474 of the KANSL1 protein (p.Arg474His). The frequency data for this variant in the population databases (gnomAD) is considered unreliable due to the presence of homologous sequence, such as pseudogenes or paralogs, in the genome. This missense change has been observed in individual(s) with neurodevelopmental disorders (PMID: 33004838). ClinVar contains an entry for this variant (Variation ID: 205788). Advanced modeling of protein sequence and biophysical properties (such as structural, functional, and spatial information, amino acid conservation, physicochemical variation, residue mobility, and thermodynamic stability) has been performed at Invitae for this missense variant, however the output from this modeling did not meet the statistical confidence thresholds required to predict the impact of this variant on KANSL1 protein function. In summary, the available evidence is currently insufficient to determine the role of this variant in disease. Therefore, it has been classified as a Variant of Uncertain Significance.

GeneDx
Classification: Uncertain significance. Last evaluated: 2014-07-16. Review status: criteria provided, single submitter. Criteria: GeneDx Variant Classification (06012015). Collection method: clinical testing. Allele origin: germline. Affected: yes.
Comment: This variant is denoted p.Arg474His (CGT>CAT): c.1421 G>A in exon 3 of the KANSL1 gene (NM_001193466.1). The R474H variant has not been published as a mutation, nor has it been reported as a benign polymorphism to our knowledge. It was not observed in approximately 6,500 individuals of European and African American ancestry in the NHLBI Exome Sequencing Project, indicating it is not a common benign variant in these populations. This substitution occurs at a position that is conserved across species. In silico analysis predicts this variant is probably damaging to the protein structure/function. However, the R474H variant is a conservative amino acid substitution, which is not likely to impact secondary protein structure as these residues share similar properties. Additionally, missense mutations in KANSL1 have not been reported in association with epilepsy. Therefore, based on the currently available information, it is unclear whether this variant is a pathogenic mutation or a rare benign variant. With the clinical and molecular information available at this time, the clinical significance of this variant is unknown. The variant is found in INFANT-EPI panel(s).

Literature cited by the submitters: PubMed 33004838 (cited by Labcorp Genetics (formerly Invitae), Labcorp).